The following is an entry in ClinVar:

NM_004168.4(SDHA):c.1209C>T (p.Leu403=)

Gene: SDHA (succinate dehydrogenase complex flavoprotein subunit A; plus strand). Cytogenetic location: 5p15.33.
Variant type: single nucleotide variant.
Coding change: c.1209C>T on transcript NM_004168.4 (MANE Select); coding-DNA position 1209, C replaced by T.
Protein change: p.Leu403=; no amino-acid change (leucine 403 retained).
Molecular consequence: synonymous variant.
Genome position (GRCh38, 1-based): chr5:235,288, C>T. VCF-style: chr5-235288-C-T. GRCh37 (hg19) VCF-style: chr5-235403-C-T.
Other names: c.1065C>T, p.Leu355= (NM_001294332.2); c.1209C>T, p.Leu403= (NM_001330758.2).
Identifiers: ClinVar variation 1749513 (VCV001749513.8), dbSNP rs2126585389, ClinGen allele CA442692015.

ClinVar aggregate classification (germline): Benign/Likely benign. Review status: criteria provided, multiple submitters, no conflicts (2 of 4 stars). 3 submissions from 3 submitters: Benign (1); Likely benign (2). Last evaluated 2025-07-02.

Conditions:
Hereditary cancer-predisposing syndrome. Also called: Hereditary Cancer Syndrome; Hereditary neoplastic syndrome; Neoplastic Syndromes, Hereditary; Tumor predisposition. Identifiers: Orphanet 140162, MedGen C0027672, MeSH D009386, MONDO:0015356.
Pheochromocytoma/paraganglioma syndrome 5. Also called: Paragangliomas 5; SDHA-Related Hereditary Paraganglioma-Pheochromocytoma Syndrome. Identifiers: Orphanet 29072, MedGen C3279992, MONDO:0013602, OMIM 614165.
Mitochondrial complex II deficiency, nuclear type 1. Also called: SUCCINATE CoQ REDUCTASE DEFICIENCY. Identifiers: Orphanet 3208, MedGen C5700310, MONDO:0100294, OMIM 252011.

Submissions (3):

Labcorp Genetics (formerly Invitae), Labcorp
Classification: Likely benign for Pheochromocytoma/paraganglioma syndrome 5; Mitochondrial complex II deficiency, nuclear type 1. Last evaluated: 2025-07-02. Review status: criteria provided, single submitter. Criteria: Invitae Variant Classification Sherloc (09022015). Collection method: clinical testing. Allele origin: germline.

Myriad Genetics, Inc.
Classification: Benign for Pheochromocytoma/paraganglioma syndrome 5. Last evaluated: 2025-03-10. Review status: criteria provided, single submitter. Criteria: Myriad Autosomal Dominant, Autosomal Recessive and X-Linked Classification Criteria (2023). Collection method: clinical testing. Allele origin: unknown.
Comment: This variant is considered benign. This variant is a silent/synonymous amino acid change and it is not expected to impact splicing.

Ambry Genetics
Classification: Likely benign for Hereditary cancer-predisposing syndrome. Last evaluated: 2022-08-17. Review status: criteria provided, single submitter. Criteria: Ambry Variant Classification Scheme 2023. Collection method: clinical testing. Allele origin: germline.